The following is an entry in ClinVar:

ClinVar aggregate classification (germline): Uncertain significance (1 of 4 stars; one submission).

Submission:

Women's Health and Genetics/Laboratory Corporation of America, LabCorp
Classification: Uncertain significance. Last evaluated: 2026-01-13. Review status: criteria provided, single submitter. Criteria: LabCorp Variant Classification Summary - May 2015. Collection method: clinical testing. Allele origin: germline.
Comment: Variant summary: DSE c.2824_2827delinsACT (p.Asp942ThrfsX29) causes a frameshift which results in an extension of the protein, but this variant is not expected to result in nonsense-mediated decay. The variant was absent in 250970 control chromosomes. The available data on variant occurrences in the general population are insufficient to allow any conclusion about variant significance. To our knowledge, no occurrence of c.2824_2827delinsACT in individuals affected with DSE-related conditions and no experimental evidence demonstrating its impact on protein function have been reported. No submitters have cited clinical-significance assessments for this variant to ClinVar. Based on the evidence outlined above, the variant was classified as uncertain significance.

NM_013352.4(DSE):c.2824_2827delinsACT (p.Asp942fs)

Gene: DSE (dermatan sulfate epimerase; plus strand). Cytogenetic location: 6q22.1.
Variant type: Indel.
Coding change: c.2824_2827delinsACT on transcript NM_013352.4 (MANE Select); coding-DNA positions 2824 to 2827, GATA replaced by ACT.
Protein change: p.Asp942fs; shifts the reading frame from aspartic acid 942.
Molecular consequence: frameshift variant. On other transcripts: 3 prime UTR variant (2), non-coding transcript variant (1).
Genome position (GRCh38, 1-based): chr6:116,437,292-116,437,295, GATA replaced by ACT. VCF-style: chr6-116437292-GATA-ACT. GRCh37 (hg19) VCF-style: chr6-116758455-GATA-ACT.
Other names: c.2824_2827delinsACT, p.Asp942fs (NM_001080976.3, NM_001322937.2, NM_001322938.2); c.2881_2884delinsACT, p.Asp961fs (NM_001322939.2); c.2263_2266delinsACT, p.Asp755fs (NM_001322940.2, NM_001322941.2); c.*1689_*1692delinsACT (NM_001322943.2, NM_001322944.2); c.1825_1828delinsACT, p.Asp609fs (NM_001374520.1); c.1789_1792delinsACT, p.Asp597fs (NM_001374521.1); short protein forms D597fs, D609fs, D755fs, D942fs, D961fs.
Identifiers: ClinVar variation 4689433 (VCV004689433.1).